The following is an entry in ClinVar:

ClinVar aggregate classification (germline): Likely benign. Review status: criteria provided, multiple submitters, no conflicts (2 of 4 stars). 2 submissions from 2 submitters: Likely benign (2). Last evaluated 2017-04-27.

Conditions:
Bartsocas-Papas syndrome 1. Also called: Bartsocas-Papas syndrome; MULTIPLE PTERYGIUM SYNDROME, ASLAN TYPE; PTERYGIUM, POPLITEAL, LETHAL TYPE. Identifiers: Orphanet 1234, MedGen C1849718, MONDO:0009901, OMIM 263650.

Allele frequency attached by ClinVar (database versions not stated): TOPMed 0.01707; 1000 Genomes Project 30x 0.01733; gnomAD 0.01754 and 0.01828; 1000 Genomes Project 0.01757.

Submissions (2):

Illumina Laboratory Services, Illumina
Classification: Likely benign for Bartsocas-Papas syndrome 1. Last evaluated: 2017-04-27. Review status: criteria provided, single submitter. Criteria: ICSL Variant Classification Criteria 13 December 2019. Collection method: clinical testing. Allele origin: germline.
Comment: This variant was observed as part of a predisposition screen in an ostensibly healthy population. A literature search was performed for the gene, cDNA change, and amino acid change (where applicable). No publications were found based on this search. Allele frequency data from public databases allowed determination this variant is unlikely to cause disease. Therefore, this variant is classified as likely benign.

Breakthrough Genomics
Classification: Likely benign. Review status: criteria provided, single submitter. Criteria: ACMG Guidelines, 2015. Collection method: not provided. Allele origin: germline. Inheritance: Autosomal recessive inheritance. Affected: yes.

NM_020639.3(RIPK4):c.*741G>A

Gene: RIPK4 (receptor interacting serine/threonine kinase 4; minus strand). Cytogenetic location: 21q22.3.
Variant type: single nucleotide variant.
Coding change: c.*741G>A on transcript NM_020639.3 (MANE Select); 741 bases downstream of the stop codon, G replaced by A.
Molecular consequence: 3 prime UTR variant.
Genome position (GRCh38, 1-based): chr21:41,740,097, C>T on the plus strand (G>A on the coding strand, the complement: RIPK4 is on the minus strand). VCF-style: chr21-41740097-C-T. GRCh37 (hg19) VCF-style: chr21-43160257-C-T.
Identifiers: ClinVar variation 339994 (VCV000339994.6), dbSNP rs13050509, ClinGen allele CA10652975.
Genomic context (GRCh38, chr21:41,740,097, plus strand): 5'-GGGAGAATTTTTTAATGACTTAGGCCTGTGGCTCTAGAGTTGCCAAAACATCTTAGGCAA[C>T]GAGAAACGAACGGCAGCTAGTACCATGTGGGCACGTGTGTGTGGTTGTCCACAAGGACTC-3'